The following is an entry in ClinVar:

ClinVar aggregate classification (germline): Uncertain significance. Review status: criteria provided, multiple submitters, no conflicts (2 of 4 stars). 2 submissions from 2 submitters: Uncertain significance (2). Last evaluated 2025-12-15.

Conditions:
Inborn genetic diseases. Identifiers: MedGen C0950123, MeSH D030342.

Allele frequency attached by ClinVar (database versions not stated): gnomAD exomes 0.00001 and 0.00002; TOPMed 0.00003; gnomAD 0.00004.

Submissions (2):

Ambry Genetics
Classification: Uncertain significance for Inborn genetic diseases. Last evaluated: 2025-12-15. Review status: criteria provided, single submitter. Criteria: Ambry Variant Classification Scheme 2023. Collection method: clinical testing. Allele origin: germline.

Labcorp Genetics (formerly Invitae), Labcorp
Classification: Uncertain significance. Last evaluated: 2022-08-23. Review status: criteria provided, single submitter. Criteria: Invitae Variant Classification Sherloc (09022015). Collection method: clinical testing. Allele origin: germline.
Comment: In summary, the available evidence is currently insufficient to determine the role of this variant in disease. Therefore, it has been classified as a Variant of Uncertain Significance. Algorithms developed to predict the effect of missense changes on protein structure and function (SIFT, PolyPhen-2, Align-GVGD) all suggest that this variant is likely to be tolerated. ClinVar contains an entry for this variant (Variation ID: 1382081). This variant has not been reported in the literature in individuals affected with CEP135-related conditions. This variant is present in population databases (no rsID available, gnomAD 0.004%). This sequence change replaces glutamine, which is neutral and polar, with glutamic acid, which is acidic and polar, at codon 993 of the CEP135 protein (p.Gln993Glu).

NM_025009.5(CEP135):c.2977C>G (p.Gln993Glu)

Gene: CEP135 (centrosomal protein 135; plus strand). Cytogenetic location: 4q12.
Variant type: single nucleotide variant.
Coding change: c.2977C>G on transcript NM_025009.5 (MANE Select); coding-DNA position 2977, C replaced by G.
Protein change: p.Gln993Glu; replaces glutamine 993 with glutamic acid.
Molecular consequence: missense variant.
Genome position (GRCh38, 1-based): chr4:56,017,822, C>G. VCF-style: chr4-56017822-C-G. GRCh37 (hg19) VCF-style: chr4-56883988-C-G.
Other names: c.2977C>G (NM_025009.3); short protein forms Q993E.
Identifiers: ClinVar variation 1382081 (VCV001382081.8), dbSNP rs895357772, ClinGen allele CA97590369.